The following is an entry in ClinVar:

ClinVar aggregate classification (germline): Uncertain significance. Review status: criteria provided, multiple submitters, no conflicts (2 of 4 stars). 3 submissions from 3 submitters: Uncertain significance (3). Last evaluated 2025-07-07.

Conditions:
Arrhythmogenic cardiomyopathy with wooly hair and keratoderma. Also called: PALMOPLANTAR KERATODERMA WITH LEFT VENTRICULAR CARDIOMYOPATHY AND WOOLLY HAIR; Carvajal syndrome; Dilated cardiomyopathy with woolly hair and keratoderma; Arrhythmogenic cardiomyopathy with woolly hair and keratoderma. Identifiers: Orphanet 65282, MedGen C1854063, MONDO:0011581, OMIM 605676.
Arrhythmogenic right ventricular dysplasia 8 (ARVD8). Also called: ARRHYTHMOGENIC RIGHT VENTRICULAR DYSPLASIA, FAMILIAL, 8; ARRHYTHMOGENIC RIGHT VENTRICULAR CARDIOMYOPATHY 8; Arrhythmogenic Right Ventricular Dysplasia/Cardiomyopathy 8. Identifiers: MedGen C1843896, MONDO:0011831, OMIM 607450.
Cardiovascular phenotype. Identifiers: MedGen CN230736.
Cardiomyopathy (CMYO). Also called: Cardiomyopathies. Identifiers: Orphanet 167848, MedGen C0878544, MONDO:0004994, HP:0001638. Inheritance: Various modes of inheritance.

Submissions (3):

Color Diagnostics, LLC DBA Color Health
Classification: Uncertain significance for Cardiomyopathy. Last evaluated: 2025-07-07. Review status: criteria provided, single submitter. Criteria: ACMG Guidelines, 2015. Collection method: clinical testing. Allele origin: germline.
Comment: This missense variant replaces serine with arginine at codon 2583 of the DSP protein. Computational prediction suggests that this variant may not impact protein structure and function. To our knowledge, functional studies have not been reported for this variant. This variant has not been reported in individuals affected with DSP-related disorders in the literature. This variant has not been identified in the general population by the Genome Aggregation Database (gnomAD). The available evidence is insufficient to determine the role of this variant in disease conclusively. Therefore, this variant is classified as a Variant of Uncertain Significance.

Labcorp Genetics (formerly Invitae), Labcorp
Classification: Uncertain significance for Arrhythmogenic cardiomyopathy with wooly hair and keratoderma; Arrhythmogenic right ventricular dysplasia 8. Last evaluated: 2024-02-20. Review status: criteria provided, single submitter. Criteria: Invitae Variant Classification Sherloc (09022015). Collection method: clinical testing. Allele origin: germline.
Comment: This sequence change replaces serine, which is neutral and polar, with arginine, which is basic and polar, at codon 2583 of the DSP protein (p.Ser2583Arg). This variant is not present in population databases (gnomAD no frequency). This variant has not been reported in the literature in individuals affected with DSP-related conditions. ClinVar contains an entry for this variant (Variation ID: 2453245). An algorithm developed to predict the effect of missense changes on protein structure and function (PolyPhen-2) suggests that this variant is likely to be disruptive. In summary, the available evidence is currently insufficient to determine the role of this variant in disease. Therefore, it has been classified as a Variant of Uncertain Significance.

Ambry Genetics
Classification: Uncertain significance for Cardiovascular phenotype. Last evaluated: 2022-12-11. Review status: criteria provided, single submitter. Criteria: Ambry Variant Classification Scheme 2023. Collection method: clinical testing. Allele origin: germline.
Comment: The p.S2583R variant (also known as c.7747A>C), located in coding exon 24 of the DSP gene, results from an A to C substitution at nucleotide position 7747. The serine at codon 2583 is replaced by arginine, an amino acid with dissimilar properties. This amino acid position is conserved. In addition, this alteration is predicted to be tolerated by in silico analysis. Since supporting evidence is limited at this time, the clinical significance of this alteration remains unclear.

NM_004415.4(DSP):c.7747A>C (p.Ser2583Arg)

Gene: DSP (desmoplakin; plus strand). Cytogenetic location: 6p24.3.
Variant type: single nucleotide variant.
Coding change: c.7747A>C on transcript NM_004415.4 (MANE Select); coding-DNA position 7747, A replaced by C.
Protein change: p.Ser2583Arg; replaces serine 2583 with arginine.
Molecular consequence: missense variant.
Genome position (GRCh38, 1-based): chr6:7,585,009, A>C. VCF-style: chr6-7585009-A-C. GRCh37 (hg19) VCF-style: chr6-7585242-A-C.
Other names: c.5950A>C, p.Ser1984Arg (NM_001008844.3); c.6418A>C, p.Ser2140Arg (NM_001319034.2); short protein forms S2583R, S2140R, S1984R.
Identifiers: ClinVar variation 2453245 (VCV002453245.5), dbSNP rs2533947806, ClinGen allele CA362693690.